The following is an entry in ClinVar:

NM_002693.3(POLG):c.1980T>G (p.Cys660Trp)

Gene: POLG (DNA polymerase gamma, catalytic subunit; minus strand). Cytogenetic location: 15q26.1.
Variant type: single nucleotide variant.
Coding change: c.1980T>G on transcript NM_002693.3 (MANE Select); coding-DNA position 1980, T replaced by G.
Protein change: p.Cys660Trp; replaces cysteine 660 with tryptophan.
Molecular consequence: missense variant.
Genome position (GRCh38, 1-based): chr15:89,324,197, A>C on the plus strand (T>G on the coding strand, the complement: POLG is on the minus strand). VCF-style: chr15-89324197-A-C. GRCh37 (hg19) VCF-style: chr15-89867428-A-C.
Other names: c.1980T>G, p.Cys660Trp (NM_001126131.2); short protein forms C660W.
Identifiers: ClinVar variation 2712643 (VCV002712643.3), dbSNP rs770668521, ClinGen allele CA393757782.

ClinVar aggregate classification (germline): Uncertain significance (1 of 4 stars; one submission).

Conditions:
Progressive sclerosing poliodystrophy (MTDPS4A). Also called: ALPERS PROGRESSIVE INFANTILE POLIODYSTROPHY; NEURONAL DEGENERATION OF CHILDHOOD WITH LIVER DISEASE, PROGRESSIVE; Mitochondrial DNA depletion syndrome 4A (Alpers type); Mitochondrial DNA Depletion Syndrome 4A; Alpers-Huttenlocher Syndrome (AHS); Alpers Syndrome. Identifiers: Orphanet 726, MedGen C0205710, MONDO:0008758, OMIM 203700.

Submission:

Labcorp Genetics (formerly Invitae), Labcorp
Classification: Uncertain significance for Progressive sclerosing poliodystrophy. Last evaluated: 2023-06-12. Review status: criteria provided, single submitter. Criteria: Invitae Variant Classification Sherloc (09022015). Collection method: clinical testing. Allele origin: germline.
Comment: This sequence change replaces cysteine, which is neutral and slightly polar, with tryptophan, which is neutral and slightly polar, at codon 660 of the POLG protein (p.Cys660Trp). In summary, the available evidence is currently insufficient to determine the role of this variant in disease. Therefore, it has been classified as a Variant of Uncertain Significance. This variant is not present in population databases (gnomAD no frequency). This variant has not been reported in the literature in individuals affected with POLG-related conditions. Advanced modeling of protein sequence and biophysical properties (such as structural, functional, and spatial information, amino acid conservation, physicochemical variation, residue mobility, and thermodynamic stability) has been performed at Invitae for this missense variant, however the output from this modeling did not meet the statistical confidence thresholds required to predict the impact of this variant on POLG protein function. Algorithms developed to predict the effect of sequence changes on RNA splicing suggest that this variant may disrupt the consensus splice site.